The following is an entry in ClinVar:

NC_000007.13:g.(?_21723382)_(21730519_?)del

Gene: DNAH11 (dynein axonemal heavy chain 11; plus strand). Cytogenetic location: 7p15.3.
Variant type: Deletion.
Identifiers: ClinVar variation 3245632 (VCV003245632.1).

ClinVar aggregate classification (germline): Pathogenic (1 of 4 stars; one submission).

Conditions:
Primary ciliary dyskinesia. Also called: Ciliary dyskinesia. Identifiers: Orphanet 244, MedGen C0008780, MONDO:0016575, HP:0012265.

Submission:

Labcorp Genetics (formerly Invitae), Labcorp
Classification: Pathogenic for Primary ciliary dyskinesia. Last evaluated: 2023-03-29. Review status: criteria provided, single submitter. Criteria: Invitae Variant Classification Sherloc (09022015). Collection method: clinical testing. Allele origin: unknown.
Comment: For these reasons, this variant has been classified as Pathogenic. This variant has not been reported in the literature in individuals affected with DNAH11-related conditions. This variant is a gross deletion of the genomic region encompassing exon(s) 32-35 of the DNAH11 gene. This deletion is out-of-frame, and is expected to create a premature termination codon and result in an absent or disrupted protein product. Loss-of-function variants in DNAH11 are known to be pathogenic (PMID: 18022865, 20513915, 22184204).

Literature cited by the submitters: PubMed 18022865; PubMed 20513915; PubMed 22184204.